The following is an entry in ClinVar:

NM_005477.3(HCN4):c.3203G>C (p.Arg1068Pro)

Gene: HCN4 (hyperpolarization activated cyclic nucleotide gated potassium channel 4; minus strand). Cytogenetic location: 15q24.1.
Variant type: single nucleotide variant.
Coding change: c.3203G>C on transcript NM_005477.3 (MANE Select); coding-DNA position 3203, G replaced by C.
Protein change: p.Arg1068Pro; replaces arginine 1068 with proline.
Molecular consequence: missense variant.
Genome position (GRCh38, 1-based): chr15:73,322,890, C>G on the plus strand (G>C on the coding strand, the complement: HCN4 is on the minus strand). VCF-style: chr15-73322890-C-G. GRCh37 (hg19) VCF-style: chr15-73615231-C-G.
Other names: short protein forms R1068P.
Identifiers: ClinVar variation 2963898 (VCV002963898.3), dbSNP rs776270218, ClinGen allele CA393086015.

ClinVar aggregate classification (germline): Uncertain significance (1 of 4 stars; one submission).

Conditions:
Brugada syndrome 8 (BRGDA8). Identifiers: Orphanet 130, MedGen C2751083, MONDO:0013148, OMIM 613123.

Submission:

Labcorp Genetics (formerly Invitae), Labcorp
Classification: Uncertain significance for Brugada syndrome 8. Last evaluated: 2023-02-28. Review status: criteria provided, single submitter. Criteria: Invitae Variant Classification Sherloc (09022015). Collection method: clinical testing. Allele origin: germline.
Comment: In summary, the available evidence is currently insufficient to determine the role of this variant in disease. Therefore, it has been classified as a Variant of Uncertain Significance. Advanced modeling of protein sequence and biophysical properties (such as structural, functional, and spatial information, amino acid conservation, physicochemical variation, residue mobility, and thermodynamic stability) performed at Invitae indicates that this missense variant is not expected to disrupt HCN4 protein function. This variant has not been reported in the literature in individuals affected with HCN4-related conditions. This variant is present in population databases (no rsID available, gnomAD 0.007%). This sequence change replaces arginine, which is basic and polar, with proline, which is neutral and non-polar, at codon 1068 of the HCN4 protein (p.Arg1068Pro).